The following is an entry in ClinVar:

ClinVar aggregate classification (germline): Uncertain significance (1 of 4 stars; one submission).

Conditions:
Neurofibromatosis, type 1 (NF1). Also called: VON RECKLINGHAUSEN DISEASE; NEUROFIBROMATOSIS, TYPE I, SOMATIC; Peripheral type neurofibromatosis; Neurofibromatosis, type I. Identifiers: Orphanet 636, MedGen C0027831, MONDO:0018975, OMIM 162200. Disease mechanism: loss of function.

Allele frequency attached by ClinVar (database versions not stated): gnomAD exomes below 0.00001.
gnomAD v4.1: 1 of 1,539,754 alleles (0.000065%); highest among the groups gnomAD compares: Non-Finnish European, 0.000087%; no homozygotes.

Submission:

Labcorp Genetics (formerly Invitae), Labcorp
Classification: Uncertain significance for Neurofibromatosis, type 1. Last evaluated: 2023-09-18. Review status: criteria provided, single submitter. Criteria: Invitae Variant Classification Sherloc (09022015). Collection method: clinical testing. Allele origin: germline.
Comment: This sequence change replaces valine, which is neutral and non-polar, with isoleucine, which is neutral and non-polar, at codon 10 of the NF1 protein (p.Val10Ile). This variant is not present in population databases (gnomAD no frequency). This variant has not been reported in the literature in individuals affected with NF1-related conditions. Advanced modeling of protein sequence and biophysical properties (such as structural, functional, and spatial information, amino acid conservation, physicochemical variation, residue mobility, and thermodynamic stability) performed at Invitae indicates that this missense variant is not expected to disrupt NF1 protein function. In summary, the available evidence is currently insufficient to determine the role of this variant in disease. Therefore, it has been classified as a Variant of Uncertain Significance.

NM_001042492.3(NF1):c.28G>A (p.Val10Ile)

Genes: MIR4733HG (MIR4733 host gene; minus strand), NF1 (neurofibromin 1; plus strand), LOC111811965 (NF1 (neurofibromin 1) promoter region; plus strand). Cytogenetic location: 17q11.2.
Variant type: single nucleotide variant.
Coding change: c.28G>A on transcript NM_001042492.3 (MANE Select); coding-DNA position 28, G replaced by A.
Protein change: p.Val10Ile; replaces valine 10 with isoleucine.
Molecular consequence: missense variant. On other transcripts: non-coding transcript variant (1).
Genome position (GRCh38, 1-based): chr17:31,095,337, G>A. VCF-style: chr17-31095337-G-A. GRCh37 (hg19) VCF-style: chr17-29422355-G-A.
Other names: c.28G>A, p.Val10Ile (NM_001128147.3, NM_000267.4); short protein forms V10I.
Identifiers: ClinVar variation 2761440 (VCV002761440.3), dbSNP rs2544511291, ClinGen allele CA398979274.
Genomic context (GRCh38, chr17:31,095,337, plus strand): 5'-TTCCCTCCGCCGCCCCCCGGCCGCGGGGAGGACATGGCCGCGCACAGGCCGGTGGAATGG[G>A]TCCAGGCCGTGGTCAGCCGCTTCGACGAGCAGGTAACCGGCCCGTGGCGGGCGGGAGGTG-3'
Protein context (NP_001035957.1, residues 1-20): MAAHRPVEW[Val10Ile]QAVVSRFDEQ